The following is an entry in ClinVar:

NM_031844.3(HNRNPU):c.803+4T>C

Gene: HNRNPU (heterogeneous nuclear ribonucleoprotein U; minus strand). Cytogenetic location: 1q44.
Variant type: single nucleotide variant.
Coding change: c.803+4T>C on transcript NM_031844.3 (MANE Select); 4 bases into the intron after coding-DNA position 803, T replaced by C.
Molecular consequence: intron variant.
Genome position (GRCh38, 1-based): chr1:244,862,615, A>G on the plus strand (T>C on the coding strand, the complement: HNRNPU is on the minus strand). VCF-style: chr1-244862615-A-G. GRCh37 (hg19) VCF-style: chr1-245025917-A-G.
Other names: c.746+4T>C (NM_004501.3).
Identifiers: ClinVar variation 4084533 (VCV004084533.8).

ClinVar aggregate classification (germline): Uncertain significance (1 of 4 stars; one submission).

gnomAD v4.1: 2 of 1,609,228 alleles (0.00012%); highest among the groups gnomAD compares: South Asian, 0.0011%; no homozygotes.

Submission:

CeGaT Center for Human Genetics Tuebingen
Classification: Uncertain significance. Last evaluated: 2025-07-01. Review status: criteria provided, single submitter. Criteria: CeGaT Center For Human Genetics Tuebingen Variant Classification Criteria Version 2. Collection method: clinical testing. Allele origin: germline. Affected: yes. Observed: 1 variant allele.
Comment: HNRNPU: PM2:Supporting, BP4